The following is an entry in ClinVar:

ClinVar aggregate classification (germline): Uncertain significance. Review status: criteria provided, multiple submitters, no conflicts (2 of 4 stars). 2 submissions from 2 submitters: Uncertain significance (2). Last evaluated 2025-04-25.

Conditions:
Inborn genetic diseases. Identifiers: MedGen C0950123, MeSH D030342.
Dystonia 12 (DYT12). Also called: Rapid-Onset Dystonia-Parkinsonism (RDP); DYT-ATP1A3. Identifiers: Orphanet 71517, MedGen C1868681, MONDO:0007496, OMIM 128235.

Allele frequency attached by ClinVar (database versions not stated): TOPMed below 0.00001.

Submissions (2):

Ambry Genetics
Classification: Uncertain significance for Inborn genetic diseases. Last evaluated: 2025-04-25. Review status: criteria provided, single submitter. Criteria: Ambry Variant Classification Scheme 2023. Collection method: clinical testing. Allele origin: germline.

Labcorp Genetics (formerly Invitae), Labcorp
Classification: Uncertain significance for Dystonia 12. Last evaluated: 2022-08-27. Review status: criteria provided, single submitter. Criteria: Invitae Variant Classification Sherloc (09022015). Collection method: clinical testing. Allele origin: germline.
Comment: In summary, the available evidence is currently insufficient to determine the role of this variant in disease. Therefore, it has been classified as a Variant of Uncertain Significance. Advanced modeling of protein sequence and biophysical properties (such as structural, functional, and spatial information, amino acid conservation, physicochemical variation, residue mobility, and thermodynamic stability) performed at Invitae indicates that this missense variant is expected to disrupt ATP1A3 protein function. This variant has not been reported in the literature in individuals affected with ATP1A3-related conditions. This variant is not present in population databases (gnomAD no frequency). This sequence change replaces glutamic acid, which is acidic and polar, with lysine, which is basic and polar, at codon 213 of the ATP1A3 protein (p.Glu213Lys).

NM_152296.5(ATP1A3):c.637G>A (p.Glu213Lys)

Gene: ATP1A3 (ATPase Na+/K+ transporting subunit alpha 3; minus strand). Cytogenetic location: 19q13.2.
Variant type: single nucleotide variant.
Coding change: c.637G>A on transcript NM_152296.5 (MANE Select); coding-DNA position 637, G replaced by A.
Protein change: p.Glu213Lys; replaces glutamic acid 213 with lysine.
Molecular consequence: missense variant.
Genome position (GRCh38, 1-based): chr19:41,985,393, C>T on the plus strand (G>A on the coding strand, the complement: ATP1A3 is on the minus strand). VCF-style: chr19-41985393-C-T. GRCh37 (hg19) VCF-style: chr19-42489545-C-T.
Other names: c.670G>A, p.Glu224Lys (NM_001256213.2); c.676G>A, p.Glu226Lys (NM_001256214.2); c.637G>A (NM_152296.3); short protein forms E213K, E224K, E226K.
Identifiers: ClinVar variation 2045253 (VCV002045253.5), dbSNP rs1420042955, ClinGen allele CA406054134.